The following is an entry in ClinVar:

ClinVar aggregate classification (germline): Uncertain significance (1 of 4 stars; one submission).

Submission:

GeneDx
Classification: Uncertain significance. Last evaluated: 2022-05-06. Review status: criteria provided, single submitter. Criteria: GeneDx Variant Classification Process June 2021. Collection method: clinical testing. Allele origin: germline. Affected: yes.
Comment: Not observed at significant frequency in large population cohorts (gnomAD); In silico analysis supports that this missense variant does not alter protein structure/function; Has not been previously published as pathogenic or benign to our knowledge

NM_002025.4(AFF2):c.1708A>G (p.Met570Val)

Gene: AFF2 (ALF transcription elongation factor 2; plus strand). Cytogenetic location: Xq28.
Variant type: single nucleotide variant.
Coding change: c.1708A>G on transcript NM_002025.4 (MANE Select); coding-DNA position 1708, A replaced by G.
Protein change: p.Met570Val; replaces methionine 570 with valine.
Molecular consequence: missense variant.
Genome position (GRCh38, 1-based): chrX:148,955,753, A>G. VCF-style: chrX-148955753-A-G. GRCh37 (hg19) VCF-style: chrX-148037283-A-G.
Other names: c.1609A>G, p.Met537Val (NM_001169122.2); c.1678A>G, p.Met560Val (NM_001169123.2); c.1603A>G, p.Met535Val (NM_001169124.2); c.1591A>G, p.Met531Val (NM_001169125.2); c.631A>G, p.Met211Val (NM_001170628.1); short protein forms M211V, M531V, M535V, M537V, M560V, M570V.
Identifiers: ClinVar variation 1722822 (VCV001722822.2), dbSNP rs2124358720, ClinGen allele CA414513160.